The following is an entry in ClinVar:

ClinVar aggregate classification (germline): Conflicting classifications of pathogenicity. Review status: criteria provided, conflicting classifications (1 of 4 stars). 2 submissions from 2 submitters: Likely pathogenic (1); Uncertain significance (1). Last evaluated 2026-10-19.

Allele frequency attached by ClinVar (database versions not stated): gnomAD exomes below 0.00001.
gnomAD v4.1: 1 of 1,562,298 alleles (0.000064%); highest among the groups gnomAD compares: Middle Eastern, 0.017%; no homozygotes.

Submissions (2):

GeneDx
Classification: Likely pathogenic. Last evaluated: 2026-10-19. Review status: criteria provided, single submitter. Criteria: GeneDx Variant Classification Process June 2021. Collection method: clinical testing. Allele origin: germline.
Comment: Not observed at significant frequency in large population cohorts (gnomAD); Intronic variant directly or indirectly altering the +5 splice site in a gene for which loss of function is a known mechanism of disease, and both splice predictors and evolutionary conservation support a deleterious effect, although in the absence of functional evidence the actual effect of this sequence change is unknown; This variant is associated with the following publications: (PMID: SotiropoulouK2023[preprint])

Labcorp Genetics (formerly Invitae), Labcorp
Classification: Uncertain significance. Last evaluated: 2022-05-05. Review status: criteria provided, single submitter. Criteria: Invitae Variant Classification Sherloc (09022015). Collection method: clinical testing. Allele origin: germline.
Comment: In summary, the available evidence is currently insufficient to determine the role of this variant in disease. Therefore, it has been classified as a Variant of Uncertain Significance. Variants that disrupt the consensus splice site are a relatively common cause of aberrant splicing (PMID: 17576681, 9536098). Algorithms developed to predict the effect of sequence changes on RNA splicing suggest that this variant may disrupt the consensus splice site. ClinVar contains an entry for this variant (Variation ID: 1303851). This variant has not been reported in the literature in individuals affected with PYCR1-related conditions. This variant is not present in population databases (gnomAD no frequency). This sequence change falls in intron 5 of the PYCR1 gene. It does not directly change the encoded amino acid sequence of the PYCR1 protein. It affects a nucleotide within the consensus splice site.

Literature cited by the submitters: PubMed 17576681 (cited by Labcorp Genetics (formerly Invitae), Labcorp); PubMed 9536098 (cited by Labcorp Genetics (formerly Invitae), Labcorp).

NM_006907.4(PYCR1):c.633+5G>A

Gene: PYCR1 (pyrroline-5-carboxylate reductase 1; minus strand). Cytogenetic location: 17q25.3.
Variant type: single nucleotide variant.
Coding change: c.633+5G>A on transcript NM_006907.4 (MANE Select); 5 bases into the intron after coding-DNA position 633, G replaced by A.
Molecular consequence: intron variant.
Genome position (GRCh38, 1-based): chr17:81,934,648, C>T on the plus strand (G>A on the coding strand, the complement: PYCR1 is on the minus strand). VCF-style: chr17-81934648-C-T. GRCh37 (hg19) VCF-style: chr17-79892524-C-T.
Other names: c.541-159G>A (NM_001282279.2); c.633+5G>A (NM_001330523.2, NM_001282280.2, NM_153824.3); c.714+5G>A (NM_001282281.2).
Identifiers: ClinVar variation 1303851 (VCV001303851.7), dbSNP rs2143870274, ClinGen allele CA2573054614.